The following is an entry in ClinVar:

ClinVar aggregate classification (germline): Benign/Likely benign. Review status: criteria provided, multiple submitters, no conflicts (2 of 4 stars). 5 submissions from 5 submitters: Benign (1); Likely benign (3). 1 of the submissions does not count toward it. Last evaluated 2026-02-01.

Conditions:
PKD1L1-related disorder. Also called: PKD1L1-related condition.

Allele frequency attached by ClinVar (database versions not stated): 1000 Genomes Project 30x 0.00094; gnomAD 0.00293 and 0.00298; TOPMed 0.00294; 1000 Genomes Project 0.00080; ESP Exome Variant Server 0.00323; gnomAD exomes 0.00324; ExAC 0.00419.
gnomAD v4.1: 6,151 of 1,582,724 alleles (0.39%); highest among the groups gnomAD compares: Middle Eastern, 1%; 29 homozygotes.

Submissions (5):

Labcorp Genetics (formerly Invitae), Labcorp
Classification: Benign. Last evaluated: 2026-02-01. Review status: criteria provided, single submitter. Criteria: Invitae Variant Classification Sherloc (09022015). Collection method: clinical testing. Allele origin: germline.

Blueprint Genetics
Classification: Likely benign. Last evaluated: 2024-11-22. Review status: criteria provided, single submitter. Criteria: ACMG Guidelines, 2015. Collection method: clinical testing. Allele origin: germline.

CeGaT Center for Human Genetics Tuebingen
Classification: Likely benign. Last evaluated: 2022-11-01. Review status: criteria provided, single submitter. Criteria: CeGaT Center For Human Genetics Tuebingen Variant Classification Criteria Version 2. Collection method: clinical testing. Allele origin: germline. Affected: yes. Observed: 5 variant alleles.
Comment: PKD1L1: BP4, BP7

Breakthrough Genomics
Classification: Likely benign. Review status: criteria provided, single submitter. Criteria: ACMG Guidelines, 2015. Collection method: not provided. Allele origin: germline. Inheritance: Autosomal recessive inheritance. Affected: yes.

PreventionGenetics, part of Exact Sciences
Classification: Benign for PKD1L1-related condition. Last evaluated: 2024-03-06. Review status: no assertion criteria provided. Collection method: clinical testing. Allele origin: germline. Not counted in ClinVar's aggregate classification.
Comment: This variant is classified as benign based on ACMG/AMP sequence variant interpretation guidelines (Richards et al. 2015 PMID: 25741868, with internal and published modifications).

NM_138295.5(PKD1L1):c.5946C>T (p.Pro1982=)

Gene: PKD1L1 (polycystin 1 like 1, transient receptor potential channel interacting; minus strand). Cytogenetic location: 7p12.3.
Variant type: single nucleotide variant.
Coding change: c.5946C>T on transcript NM_138295.5 (MANE Select); coding-DNA position 5946, C replaced by T.
Protein change: p.Pro1982=; no amino-acid change (proline 1982 retained).
Molecular consequence: synonymous variant.
Genome position (GRCh38, 1-based): chr7:47,835,241, G>A on the plus strand (C>T on the coding strand, the complement: PKD1L1 is on the minus strand). VCF-style: chr7-47835241-G-A. GRCh37 (hg19) VCF-style: chr7-47874839-G-A.
Identifiers: ClinVar variation 778020 (VCV000778020.42), dbSNP rs149432210, ClinGen allele CA4252653.